The following is an entry in ClinVar:

NM_013352.4(DSE):c.826G>A (p.Val276Ile)

Gene: DSE (dermatan sulfate epimerase; plus strand). Cytogenetic location: 6q22.1.
Variant type: single nucleotide variant.
Coding change: c.826G>A on transcript NM_013352.4 (MANE Select); coding-DNA position 826, G replaced by A.
Protein change: p.Val276Ile; replaces valine 276 with isoleucine.
Molecular consequence: missense variant. On other transcripts: non-coding transcript variant (1), intron variant (3).
Genome position (GRCh38, 1-based): chr6:116,431,109, G>A. VCF-style: chr6-116431109-G-A. GRCh37 (hg19) VCF-style: chr6-116752272-G-A.
Other names: p.Val276Ile; c.826G>A (NM_013352.2); c.826G>A, p.Val276Ile (NM_001080976.3, NM_001322937.2, NM_001322938.2 and 2 more transcripts); c.883G>A, p.Val295Ile (NM_001322939.2); c.265G>A, p.Val89Ile (NM_001322940.2, NM_001322941.2); c.-90+52G>A (NM_001374520.1); c.83+4282G>A (NM_001374521.1); c.670+4282G>A (NM_001322943.2); short protein forms V295I, V276I, V89I.
Identifiers: ClinVar variation 2168054 (VCV002168054.5), dbSNP rs754514077, ClinGen allele CA3969576.
Genomic context (GRCh38, chr6:116,431,109, plus strand): 5'-TATGAAGGAGTTGCGTATGGCAGCTACACCACTAGATCACTCTTCCAATACATGTTTCTC[G>A]TCCAGAGGCACTTCAACATCAACCACTTTGGCCATCCGTGGCTTAAACAACACTTTGCAT-3'
Protein context (NP_037484.1, residues 266-286): TRSLFQYMFL[Val276Ile]QRHFNINHFG

ClinVar aggregate classification (germline): Uncertain significance. Review status: criteria provided, multiple submitters, no conflicts (2 of 4 stars). 5 submissions from 5 submitters: Uncertain significance (5). Last evaluated 2026-03-02.

Conditions:
Inborn genetic diseases. Identifiers: MedGen C0950123, MeSH D030342.
Ehlers-Danlos syndrome, musculocontractural type 2 (EDSMC2). Identifiers: Orphanet 2953, MedGen C3809845, MONDO:0014236, OMIM 615539.

Allele frequency attached by ClinVar (database versions not stated): gnomAD exomes 0.00002; ExAC 0.00003; TOPMed 0.00005; gnomAD 0.00006.
gnomAD v4.1: 37 of 1,613,988 alleles (0.0023%); highest among the groups gnomAD compares: Non-Finnish European, 0.0029%; no homozygotes.

Submissions (5):

Women's Health and Genetics/Laboratory Corporation of America, LabCorp
Classification: Uncertain significance. Last evaluated: 2026-03-02. Review status: criteria provided, single submitter. Criteria: LabCorp Variant Classification Summary - May 2015. Collection method: clinical testing. Allele origin: germline.
Comment: Variant summary: DSE c.826G>A (p.Val276Ile) results in a conservative amino acid change in the encoded protein sequence. Algorithms developed to predict the effect of missense changes on protein structure and function are either unavailable or do not agree on the potential impact of this missense change. The variant allele was found at a frequency of 3.2e-05 in 251486 control chromosomes. The available data on variant occurrences in the general population are insufficient to allow any conclusion about variant significance. To our knowledge, no occurrence of c.826G>A in individuals affected with DSE-related conditions and no experimental evidence demonstrating its impact on protein function have been reported. ClinVar contains an entry for this variant (Variation ID: 2168054). Based on the evidence outlined above, the variant was classified as uncertain significance.

Ambry Genetics
Classification: Uncertain significance for Inborn genetic diseases. Last evaluated: 2024-11-25. Review status: criteria provided, single submitter. Criteria: Ambry Variant Classification Scheme 2023. Collection method: clinical testing. Allele origin: germline.

Mayo Clinic Laboratories, Mayo Clinic
Classification: Uncertain significance. Last evaluated: 2024-03-27. Review status: criteria provided, single submitter. Criteria: ACMG Guidelines, 2015. Collection method: clinical testing. Allele origin: germline. Observed: 1 variant allele.
Comment: BP4

GeneDx
Classification: Uncertain significance. Last evaluated: 2024-02-14. Review status: criteria provided, single submitter. Criteria: GeneDx Variant Classification Process June 2021. Collection method: clinical testing. Allele origin: germline. Affected: yes.
Comment: Not observed at significant frequency in large population cohorts (gnomAD); In silico analysis supports that this missense variant does not alter protein structure/function; Has not been previously published as pathogenic or benign to our knowledge

Labcorp Genetics (formerly Invitae), Labcorp
Classification: Uncertain significance for Ehlers-Danlos syndrome, musculocontractural type 2. Last evaluated: 2022-09-01. Review status: criteria provided, single submitter. Criteria: Invitae Variant Classification Sherloc (09022015). Collection method: clinical testing. Allele origin: germline.
Comment: This sequence change replaces valine, which is neutral and non-polar, with isoleucine, which is neutral and non-polar, at codon 276 of the DSE protein (p.Val276Ile). This variant is present in population databases (rs754514077, gnomAD 0.006%). This variant has not been reported in the literature in individuals affected with DSE-related conditions. Algorithms developed to predict the effect of missense changes on protein structure and function are either unavailable or do not agree on the potential impact of this missense change (SIFT: "Not Available"; PolyPhen-2: "Probably Damaging"; Align-GVGD: "Not Available"). In summary, the available evidence is currently insufficient to determine the role of this variant in disease. Therefore, it has been classified as a Variant of Uncertain Significance.